The following is an entry in ClinVar:

ClinVar aggregate classification (germline): Uncertain significance (1 of 4 stars; one submission).

Conditions:
Cardiovascular phenotype. Identifiers: MedGen CN230736.
Hereditary cancer-predisposing syndrome. Also called: Hereditary Cancer Syndrome; Hereditary neoplastic syndrome; Neoplastic Syndromes, Hereditary; Tumor predisposition. Identifiers: Orphanet 140162, MedGen C0027672, MeSH D009386, MONDO:0015356.

Submission:

Ambry Genetics
Classification: Uncertain significance for Cardiovascular phenotype; Hereditary cancer-predisposing syndrome. Last evaluated: 2025-05-30. Review status: criteria provided, single submitter. Criteria: Ambry Variant Classification Scheme 2023. Collection method: clinical testing. Allele origin: germline.
Comment: The p.Y49H variant (also known as c.145T>C), located in coding exon 2 of the NF1 gene, results from a T to C substitution at nucleotide position 145. The tyrosine at codon 49 is replaced by histidine, an amino acid with similar properties. This amino acid position is conserved. In addition, the in silico prediction for this alteration is inconclusive. Based on the available evidence, the clinical significance of this variant remains unclear.

NM_001042492.3(NF1):c.145T>C (p.Tyr49His)

Gene: NF1 (neurofibromin 1; plus strand). Cytogenetic location: 17q11.2.
Variant type: single nucleotide variant.
Coding change: c.145T>C on transcript NM_001042492.3 (MANE Select); coding-DNA position 145, T replaced by C.
Protein change: p.Tyr49His; replaces tyrosine 49 with histidine.
Molecular consequence: missense variant.
Genome position (GRCh38, 1-based): chr17:31,156,067, T>C. VCF-style: chr17-31156067-T-C. GRCh37 (hg19) VCF-style: chr17-29483085-T-C.
Other names: c.145T>C, p.Tyr49His (NM_000267.4, NM_001128147.3); short protein forms Y49H.
Identifiers: ClinVar variation 1773138 (VCV001773138.3), dbSNP rs764367878, ClinGen allele CA398988462.